The following is an entry in ClinVar:

ClinVar aggregate classification (germline): Pathogenic (1 of 4 stars; one submission).

Conditions:
Monogenic hearing loss.

Submission:

Genetics Laboratory, Great Ormond Street Hospital NHS Foundation Trust, North Thames Genomic Laboratory Hub
Classification: Pathogenic for Monogenic hearing loss. Last evaluated: 2025-09-30. Review status: criteria provided, single submitter. Criteria: ACGS Best Practice Guidelines for Variant Classification in Rare Disease 2024 v1.2. Collection method: clinical testing. Allele origin: germline. Affected: yes.
Comment: PM2_moderate, PVS1_very-strong

NM_001852.4(COL9A2):c.108_109insG (p.Pro37fs)

Genes: COL9A2 (collagen type IX alpha 2 chain; minus strand), LOC129930261 (ATAC-STARR-seq lymphoblastoid silent region 724; plus strand). Cytogenetic location: 1p34.2.
Variant type: Insertion.
Coding change: c.108_109insG on transcript NM_001852.4 (MANE Select); coding-DNA positions 108 to 109, G inserted.
Protein change: p.Pro37fs; shifts the reading frame from proline 37.
Molecular consequence: frameshift variant.
Genome position: GRCh38 VCF-style: chr1-40315631-G-GC. GRCh37 (hg19) VCF-style: chr1-40781303-G-GC.
Other names: short protein forms P37fs.
Identifiers: ClinVar variation 4532198 (VCV004532198.1).